The following is an entry in ClinVar:

ClinVar aggregate classification (germline): Uncertain significance. Review status: criteria provided, multiple submitters, no conflicts (2 of 4 stars). 2 submissions from 2 submitters: Uncertain significance (2). Last evaluated 2024-09-23.

Allele frequency attached by ClinVar (database versions not stated): ExAC 0.00001; gnomAD 0.00001; gnomAD exomes 0.00001; TOPMed 0.00001; 1000 Genomes Project 30x 0.00016; 1000 Genomes Project 0.00020.
gnomAD v4.1: 17 of 1,614,140 alleles (0.0011%); highest among the groups gnomAD compares: East Asian, 0.0022%; 1 homozygote.

Submissions (2):

Blueprint Genetics
Classification: Uncertain significance. Last evaluated: 2024-09-23. Review status: criteria provided, single submitter. Criteria: ACMG Guidelines, 2015. Collection method: clinical testing. Allele origin: germline.

Labcorp Genetics (formerly Invitae), Labcorp
Classification: Uncertain significance. Last evaluated: 2022-10-17. Review status: criteria provided, single submitter. Criteria: Invitae Variant Classification Sherloc (09022015). Collection method: clinical testing. Allele origin: germline.
Comment: This sequence change replaces arginine, which is basic and polar, with glutamine, which is neutral and polar, at codon 567 of the CNGB1 protein (p.Arg567Gln). This variant is present in population databases (rs537922983, gnomAD 0.002%). This variant has not been reported in the literature in individuals affected with CNGB1-related conditions. Algorithms developed to predict the effect of missense changes on protein structure and function (SIFT, PolyPhen-2, Align-GVGD) all suggest that this variant is likely to be tolerated. In summary, the available evidence is currently insufficient to determine the role of this variant in disease. Therefore, it has been classified as a Variant of Uncertain Significance.

NM_001297.5(CNGB1):c.1700G>A (p.Arg567Gln)

Gene: CNGB1 (cyclic nucleotide gated channel subunit beta 1; minus strand). Cytogenetic location: 16q21.
Variant type: single nucleotide variant.
Coding change: c.1700G>A on transcript NM_001297.5 (MANE Select); coding-DNA position 1700, G replaced by A.
Protein change: p.Arg567Gln; replaces arginine 567 with glutamine.
Molecular consequence: missense variant.
Genome position (GRCh38, 1-based): chr16:57,920,488, C>T on the plus strand (G>A on the coding strand, the complement: CNGB1 is on the minus strand). VCF-style: chr16-57920488-C-T. GRCh37 (hg19) VCF-style: chr16-57954392-C-T.
Other names: c.1682G>A, p.Arg561Gln (NM_001286130.2); short protein forms R561Q, R567Q.
Identifiers: ClinVar variation 1940575 (VCV001940575.3), dbSNP rs537922983, ClinGen allele CA8083315.